The following is an entry in ClinVar:

NC_000015.10:g.48420802_48420807del

Gene: FBN1 (fibrillin 1; minus strand). Cytogenetic location: 15q21.1.
Variant type: Deletion.
Genome position: GRCh38 VCF-style: chr15-48420797-TCGTCCA-T. GRCh37 (hg19) VCF-style: chr15-48712994-TCGTCCA-T.
Identifiers: ClinVar variation 406264 (VCV000406264.9), dbSNP rs1060501015, ClinGen allele CA16614492.
Genomic context (GRCh38, chr15:48,420,797, plus strand): 5'-CACCTGTAGCCCCCAATGATGTTCTGGCAGCCATGCTGGCAGCGGTGGTTACCCTCACAC[TCGTCCA>T]CGTCTGAAAAAGAAGCAGAGCCACCATGATGCCAACTCAACATCTCTCTCTGAAGCCAGA-3'

ClinVar aggregate classification (germline): Pathogenic (1 of 4 stars; one submission).

Conditions:
Familial thoracic aortic aneurysm and aortic dissection (TAAD). Also called: Thoracic aortic aneurysms and dissections. Identifiers: Orphanet 91387, MedGen C4707243, MONDO:0019625.
Marfan syndrome (MFS). Also called: MARFAN SYNDROME, TYPE I; Marfan syndrome, classic; FBN1-Related Marfan Syndrome; Marfan syndrome type 1; Marfan's syndrome. Identifiers: Orphanet 284963, Orphanet 558, MedGen C0024796, MONDO:0007947, OMIM 154700.

Submission:

Labcorp Genetics (formerly Invitae), Labcorp
Classification: Pathogenic for Marfan syndrome; Familial thoracic aortic aneurysm and aortic dissection. Last evaluated: 2025-06-15. Review status: criteria provided, single submitter. Criteria: Invitae Variant Classification Sherloc (09022015). Collection method: clinical testing. Allele origin: germline.
Comment: This variant, c.7703_7708delTGGACG, results in the deletion of 2 amino acid(s) of the FBN1 protein (p.Val2568_Asp2569del), but otherwise preserves the integrity of the reading frame. This variant is not present in population databases (gnomAD no frequency). This variant has been observed in individual(s) with clinical features of Marfan syndrome (internal data). ClinVar contains an entry for this variant (Variation ID: 406264). This variant disrupts a region of the FBN1 protein in which other variant(s) (p.Asp2569Gly) have been determined to be pathogenic (external communication, internal data). This suggests that this is a clinically significant region of the protein, and that variants that disrupt it are likely to be disease-causing. For these reasons, this variant has been classified as Pathogenic.